The following is an entry in ClinVar:

NM_000324.3(RHAG):c.1147C>A (p.Leu383Ile)

Gene: RHAG (Rh associated glycoprotein; minus strand). Cytogenetic location: 6p12.3.
Variant type: single nucleotide variant.
Coding change: c.1147C>A on transcript NM_000324.3 (MANE Select); coding-DNA position 1147, C replaced by A.
Protein change: p.Leu383Ile; replaces leucine 383 with isoleucine.
Molecular consequence: missense variant.
Genome position (GRCh38, 1-based): chr6:49,606,913, G>T on the plus strand (C>A on the coding strand, the complement: RHAG is on the minus strand). VCF-style: chr6-49606913-G-T. GRCh37 (hg19) VCF-style: chr6-49574626-G-T.
Other names: c.1147C>A (NM_000324.2); short protein forms L383I.
Identifiers: ClinVar variation 1050684 (VCV001050684.8), dbSNP rs141051794, ClinGen allele CA3847708.
Genomic context (GRCh38, chr6:49,606,913, plus strand): 5'-AATAAACAGAATCATCATAGCAGTTCTGGTCAGATGGCTGTCCCCAGAGAGGCAACTTTA[G>T]AATTAAACCTGTGACGGTAGAGGGAAAATGAGTCATGTTGTGACGCTGAAGAGGAAAATC-3'
Protein context (NP_000315.2, residues 373-393): VVGGLMTGLI[Leu383Ile]KLPLWGQPSD

ClinVar aggregate classification (germline): Conflicting classifications of pathogenicity. Review status: criteria provided, conflicting classifications (1 of 4 stars). 5 submissions from 5 submitters: Uncertain significance (3); Likely benign (1). 1 of the submissions does not count toward it. Last evaluated 2025-10-31.

Conditions:
RHAG-related disorder. Also called: RHAG-related condition.

Allele frequency attached by ClinVar (database versions not stated): gnomAD exomes 0.00027 and 0.00073; ESP Exome Variant Server 0.00031; TOPMed 0.00045; gnomAD 0.00046 and 0.00048; 1000 Genomes Project 30x 0.00016; 1000 Genomes Project 0.00020; ExAC 0.00027.
gnomAD v4.1: 1,162 of 1,610,196 alleles (0.072%); highest among the groups gnomAD compares: Non-Finnish European, 0.09%; 3 homozygotes.

Submissions (5):

PreventionGenetics, part of Exact Sciences
Classification: Uncertain significance for RHAG-related condition. Last evaluated: 2025-10-31. Review status: criteria provided, single submitter. Criteria: ACMG Guidelines, 2015. Collection method: clinical testing. Allele origin: germline.
Comment: The RHAG c.1147C>A variant is predicted to result in the amino acid substitution p.Leu383Ile. To our knowledge, this variant has not been reported in the literature. This variant is reported in 0.060% of alleles in individuals of European (Non-Finnish) descent in gnomAD, which may be too common to be an undocumented cause of disease. At this time, the clinical significance of this variant is uncertain due to the absence of conclusive functional and genetic evidence.

Labcorp Genetics (formerly Invitae), Labcorp
Classification: Uncertain significance. Last evaluated: 2025-09-29. Review status: criteria provided, single submitter. Criteria: Invitae Variant Classification Sherloc (09022015). Collection method: clinical testing. Allele origin: germline.
Comment: This sequence change replaces leucine, which is neutral and non-polar, with isoleucine, which is neutral and non-polar, at codon 383 of the RHAG protein (p.Leu383Ile). This variant is present in population databases (rs141051794, gnomAD 0.06%). This variant has not been reported in the literature in individuals affected with RHAG-related conditions. ClinVar contains an entry for this variant (Variation ID: 1050684). Invitae Evidence Modeling of protein sequence and biophysical properties (such as structural, functional, and spatial information, amino acid conservation, physicochemical variation, residue mobility, and thermodynamic stability) indicates that this missense variant is not expected to disrupt RHAG protein function with a negative predictive value of 80%. In summary, the available evidence is currently insufficient to determine the role of this variant in disease. Therefore, it has been classified as a Variant of Uncertain Significance.

Revvity Omics, Revvity
Classification: Likely benign. Last evaluated: 2024-10-24. Review status: criteria provided, single submitter. Criteria: ACMG Guidelines, 2015. Collection method: clinical testing. Allele origin: germline.

Ambry Genetics
Classification: Uncertain significance. Last evaluated: 2022-10-12. Review status: criteria provided, single submitter. Criteria: Ambry Variant Classification Scheme 2023. Collection method: clinical testing. Allele origin: germline.

Department of Pathology and Laboratory Medicine, Sinai Health System
Classification: Uncertain significance. Review status: no assertion criteria provided. Collection method: clinical testing. Allele origin: unknown. Affected: yes. Study: The Canadian Open Genetics Repository (COGR). Not counted in ClinVar's aggregate classification.
Comment: The RHAG p.Leu383Ile variant was not identified in the literature nor was it identified in ClinVar. The variant was identified in dbSNP (ID: rs141051794) and in control databases in 85 of 282380 chromosomes at a frequency of 0.000301 (Genome Aggregation Database March 6, 2019, v2.1.1). The variant was observed in the following populations: European (non-Finnish) in 77 of 128868 chromosomes (freq: 0.000598), European (Finnish) in 5 of 25096 chromosomes (freq: 0.000199), Other in 1 of 7204 chromosomes (freq: 0.000139) and African in 2 of 24960 chromosomes (freq: 0.00008), but was not observed in the Latino, Ashkenazi Jewish, East Asian, or South Asian populations. The p.Leu383 residue is conserved in mammals and computational analyses (PolyPhen-2, SIFT, AlignGVGD, BLOSUM, MutationTaster) provide inconsistent predictions regarding the impact to the protein; this information is not very predictive of pathogenicity. The variant occurs outside of the splicing consensus sequence and in silico or computational prediction software programs (SpliceSiteFinder, MaxEntScan, NNSPLICE, GeneSplicer) do not predict a difference in splicing. In summary, based on the above information the clinical significance of this variant cannot be determined with certainty at this time. This variant is classified as a variant of uncertain significance.